The following is an entry in ClinVar:

NM_002485.5(NBN):c.1612_1696del (p.Lys538fs)

Gene: NBN (nibrin; minus strand). Cytogenetic location: 8q21.3.
Variant type: Deletion.
Coding change: c.1612_1696del on transcript NM_002485.5 (MANE Select); coding-DNA positions 1612 to 1696, 85 bases deleted.
Protein change: p.Lys538fs; shifts the reading frame from lysine 538.
Molecular consequence: frameshift variant.
Genome position (GRCh38, 1-based): chr8:89,953,393-89,953,477, 85 bases deleted. GRCh37 (hg19): chr8:90,965,625-90,965,709.
Other names: c.1366_1450del, p.Lys456fs (NM_001024688.3); c.1612_1696del85 (NM_002485.4); short protein forms K456fs, K538fs.
Identifiers: ClinVar variation 483958 (VCV000483958.6), dbSNP rs1554558319, ClinGen allele CA658657790.

ClinVar aggregate classification (germline): Pathogenic (1 of 4 stars; one submission).

Conditions:
Hereditary cancer-predisposing syndrome. Also called: Neoplastic Syndromes, Hereditary; Tumor predisposition; Hereditary Cancer Syndrome; Hereditary neoplastic syndrome. Identifiers: Orphanet 140162, MedGen C0027672, MeSH D009386, MONDO:0015356.

Submission:

Ambry Genetics
Classification: Pathogenic for Hereditary cancer-predisposing syndrome. Last evaluated: 2023-04-26. Review status: criteria provided, single submitter. Criteria: Ambry Variant Classification Scheme 2023. Collection method: clinical testing. Allele origin: germline.
Comment: The c.1612_1696del85 pathogenic mutation, located in coding exon 11 of the NBN gene, results from a deletion of 85 nucleotides at nucleotide positions 1612 to 1696, causing a translational frameshift with a predicted alternate stop codon (p.K538Yfs*9). This alteration is expected to result in loss of function by premature protein truncation or nonsense-mediated mRNA decay. As such, this alteration is interpreted as a disease-causing mutation.